The following is an entry in ClinVar:

NM_005585.5(SMAD6):c.1283G>A (p.Arg428His)

Gene: SMAD6 (SMAD family member 6; plus strand). Cytogenetic location: 15q22.31.
Variant type: single nucleotide variant.
Coding change: c.1283G>A on transcript NM_005585.5 (MANE Select); coding-DNA position 1283, G replaced by A.
Protein change: p.Arg428His; replaces arginine 428 with histidine.
Molecular consequence: missense variant. On other transcripts: non-coding transcript variant (1).
Genome position (GRCh38, 1-based): chr15:66,781,327, G>A. VCF-style: chr15-66781327-G-A. GRCh37 (hg19) VCF-style: chr15-67073665-G-A.
Other names: short protein forms R428H.
Identifiers: ClinVar variation 1768485 (VCV001768485.5), dbSNP rs1300835483, ClinGen allele CA393202220.

ClinVar aggregate classification (germline): Uncertain significance. Review status: criteria provided, multiple submitters, no conflicts (2 of 4 stars). 2 submissions from 2 submitters: Uncertain significance (2). Last evaluated 2025-11-07.

Conditions:
Aortic valve disease 2 (AOVD2). Identifiers: MedGen C3542024, MONDO:0013902, OMIM 614823.
Inborn genetic diseases. Identifiers: MedGen C0950123, MeSH D030342.

Allele frequency attached by ClinVar (database versions not stated): gnomAD 0.00001; 1000 Genomes Project 30x 0.00016.
gnomAD v4.1: 9 of 1,598,778 alleles (0.00056%); highest among the groups gnomAD compares: South Asian, 0.0011%; no homozygotes.

Submissions (2):

Ambry Genetics
Classification: Uncertain significance for Inborn genetic diseases. Last evaluated: 2025-11-07. Review status: criteria provided, single submitter. Criteria: Ambry Variant Classification Scheme 2023. Collection method: clinical testing. Allele origin: germline.
Comment: The p.R428H variant (also known as c.1283G>A), located in coding exon 4 of the SMAD6 gene, results from a G to A substitution at nucleotide position 1283. The arginine at codon 428 is replaced by histidine, an amino acid with highly similar properties. This amino acid position is conserved. In addition, this alteration is predicted to be deleterious by in silico analysis. Since supporting evidence is limited at this time, the clinical significance of this alteration remains unclear.

Labcorp Genetics (formerly Invitae), Labcorp
Classification: Uncertain significance for Aortic valve disease 2. Last evaluated: 2024-06-16. Review status: criteria provided, single submitter. Criteria: Invitae Variant Classification Sherloc (09022015). Collection method: clinical testing. Allele origin: germline.
Comment: This sequence change replaces arginine, which is basic and polar, with histidine, which is basic and polar, at codon 428 of the SMAD6 protein (p.Arg428His). This variant is not present in population databases (gnomAD no frequency). This variant has not been reported in the literature in individuals affected with SMAD6-related conditions. ClinVar contains an entry for this variant (Variation ID: 1768485). Advanced modeling of protein sequence and biophysical properties (such as structural, functional, and spatial information, amino acid conservation, physicochemical variation, residue mobility, and thermodynamic stability) performed at Invitae indicates that this missense variant is not expected to disrupt SMAD6 protein function with a negative predictive value of 80%. In summary, the available evidence is currently insufficient to determine the role of this variant in disease. Therefore, it has been classified as a Variant of Uncertain Significance.